The following is an entry in ClinVar:

ClinVar aggregate classification (germline): Uncertain significance (1 of 4 stars; one submission).

Conditions:
Hypercholesterolemia, autosomal dominant, type B (FHCL2). Also called: APOB-Related Familial Hypercholesterolemia, Autosomal Dominant; Familial Hypercholesterolemia Type B; APOLIPOPROTEIN B-100, FAMILIAL DEFECTIVE; APOLIPOPROTEIN B-100, FAMILIAL LIGAND-DEFECTIVE; HYPERCHOLESTEROLEMIA, FAMILIAL, DUE TO LIGAND-DEFECTIVE APOLIPOPROTEIN B; Hyperlipoproteinemia Type IIb. Identifiers: MedGen C1704417, MONDO:0007751, OMIM 144010.
Familial hypobetalipoproteinemia 1. Also called: Hypobetalipoproteinemia, normotriglyceridemic; Acanthocytosis with hypobetalipoproteinemia; APOB-Related Familial Hypobetalipoproteinemia. Identifiers: MedGen C4551990, MONDO:0014252, OMIM 615558.

Allele frequency attached by ClinVar (database versions not stated): gnomAD exomes below 0.00001.
gnomAD v4.1: 1 of 1,612,750 alleles (0.000062%); highest among the groups gnomAD compares: East Asian, 0.0022%; no homozygotes.

Submission:

Labcorp Genetics (formerly Invitae), Labcorp
Classification: Uncertain significance for Familial hypobetalipoproteinemia 1; Hypercholesterolemia, autosomal dominant, type B. Last evaluated: 2025-06-22. Review status: criteria provided, single submitter. Criteria: Invitae Variant Classification Sherloc (09022015). Collection method: clinical testing. Allele origin: germline.
Comment: This sequence change replaces glutamine, which is neutral and polar, with proline, which is neutral and non-polar, at codon 609 of the APOB protein (p.Gln609Pro). This variant is not present in population databases (gnomAD no frequency). This variant has not been reported in the literature in individuals affected with APOB-related conditions. ClinVar contains an entry for this variant (Variation ID: 2927728). Invitae Evidence Modeling of protein sequence and biophysical properties (such as structural, functional, and spatial information, amino acid conservation, physicochemical variation, residue mobility, and thermodynamic stability) indicates that this missense variant is not expected to disrupt APOB protein function with a negative predictive value of 95%. In summary, the available evidence is currently insufficient to determine the role of this variant in disease. Therefore, it has been classified as a Variant of Uncertain Significance.

NM_000384.3(APOB):c.1826A>C (p.Gln609Pro)

Gene: APOB (apolipoprotein B; minus strand). Cytogenetic location: 2p24.1.
Variant type: single nucleotide variant.
Coding change: c.1826A>C on transcript NM_000384.3 (MANE Select); coding-DNA position 1826, A replaced by C.
Protein change: p.Gln609Pro; replaces glutamine 609 with proline.
Molecular consequence: missense variant.
Genome position (GRCh38, 1-based): chr2:21,028,330, T>G on the plus strand (A>C on the coding strand, the complement: APOB is on the minus strand). VCF-style: chr2-21028330-T-G. GRCh37 (hg19) VCF-style: chr2-21251202-T-G.
Other names: short protein forms Q609P.
Identifiers: ClinVar variation 2927728 (VCV002927728.3), dbSNP rs2465421581, ClinGen allele CA346014121.
Genomic context (GRCh38, chr2:21,028,330, plus strand): 5'-GTTGGAATTCCAGCTCAGGGCCCTCAGTGGTATATGGGGTGAATAGCTCTTACTTACTCT[T>G]GGATATCCAATTCTTCTGAGTTCAAGATATTGGCAATATGGGAAGCCACAAAGTTCTTCA-3'
Protein context (NP_000375.3, residues 599-619): NILNSEELDI[Gln609Pro]DLKKLVKEAL